The following is an entry in ClinVar:

ClinVar aggregate classification (germline): Uncertain significance (1 of 4 stars; one submission).

Submission:

GeneDx
Classification: Uncertain significance. Last evaluated: 2020-12-30. Review status: criteria provided, single submitter. Criteria: GeneDx Variant Classification Process June 2021. Collection method: clinical testing. Allele origin: germline. Affected: yes.
Comment: Not observed in large population cohorts (Lek et al., 2016); In-frame deletion of 4 amino acids in a non-repeat region; In silico analysis supports a deleterious effect on protein structure/function; Has not been previously published as pathogenic or benign to our knowledge

NM_000141.5(FGFR2):c.1721_1732del (p.Glu574_Arg577del)

Gene: FGFR2 (fibroblast growth factor receptor 2; minus strand). Cytogenetic location: 10q26.13.
Variant type: Deletion.
Coding change: c.1721_1732del on transcript NM_000141.5 (MANE Select); coding-DNA positions 1721 to 1732, 12 bases deleted (AATACCTCCGAG).
Protein change: p.Glu574_Arg577del.
Molecular consequence: inframe deletion. On other transcripts: inframe indel (2), non-coding transcript variant (1).
Genome position (GRCh38, 1-based): chr10:121,496,663-121,496,674, CTCGGAGGTATT deleted on the plus strand (AATACCTCCGAG on the coding strand, the reverse complement: FGFR2 is on the minus strand); deleting any 12 consecutive bases within chr10:121,496,663-121,496,683 gives the same sequence; the c. name uses the placement nearest the transcript's 3' end. VCF-style (leftmost placement, unchanged base first): chr10-121496662-GCTCGGAGGTATT-G. GRCh37 (hg19) VCF-style: chr10-123256176-GCTCGGAGGTATT-G.
Other names: c.1712_1723delACCTCCGAGAAT, p.Glu574_Arg577del (NM_000141.4); c.1724_1735del, p.Glu575_Arg578del (NM_001144913.1, NM_022970.4); c.1385_1396del, p.Glu462_Arg465del (NM_001144914.1); c.1454_1465del, p.Glu485_Arg488del (NM_001144915.2); c.1376_1387del, p.Glu459_Arg462del (NM_001144916.2); c.1373_1384del, p.Glu458_Arg461del (NM_001144917.2); c.1370_1381del, p.Glu457_Arg460del (NM_001144918.2); c.1457_1468del, p.Glu486_Arg489del (NM_001144919.2); and 3 more.
Identifiers: ClinVar variation 1318913 (VCV001318913.2), dbSNP rs2133941864, ClinGen allele CA2573053251.